The following is an entry in ClinVar:

NM_000639.3(FASLG):c.176C>T (p.Pro59Leu)

Gene: FASLG (Fas ligand; plus strand). Cytogenetic location: 1q24.3.
Variant type: single nucleotide variant.
Coding change: c.176C>T on transcript NM_000639.3 (MANE Select); coding-DNA position 176, C replaced by T.
Protein change: p.Pro59Leu; replaces proline 59 with leucine.
Molecular consequence: missense variant.
Genome position (GRCh38, 1-based): chr1:172,659,377, C>T. VCF-style: chr1-172659377-C-T. GRCh37 (hg19) VCF-style: chr1-172628517-C-T.
Other names: c.176C>T, p.Pro59Leu (NM_001302746.2); short protein forms P59L.
Identifiers: ClinVar variation 293732 (VCV000293732.11), dbSNP rs375737004, ClinGen allele CA1247469.

ClinVar aggregate classification (germline): Conflicting classifications of pathogenicity. Review status: criteria provided, conflicting classifications (1 of 4 stars). 3 submissions from 3 submitters: Uncertain significance (2); Likely benign (1). Last evaluated 2023-03-06.

Conditions:
Autoimmune lymphoproliferative syndrome type 1. Also called: AUTOIMMUNE LYMPHOPROLIFERATIVE SYNDROME, TYPE I, AUTOSOMAL DOMINANT. Identifiers: Orphanet 3261, MedGen C2717884, MONDO:0011158, OMIM 601859.

Allele frequency attached by ClinVar (database versions not stated): 1000 Genomes Project 0.00020; ExAC 0.00002; gnomAD 0.00004 and 0.00005; 1000 Genomes Project 30x 0.00016; gnomAD exomes 0.00002; TOPMed 0.00003; ESP Exome Variant Server 0.00008.
gnomAD v4.1: 41 of 1,610,920 alleles (0.0025%); highest among the groups gnomAD compares: Admixed American, 0.0084%; no homozygotes.

Submissions (3):

Ambry Genetics
Classification: Uncertain significance. Last evaluated: 2023-03-06. Review status: criteria provided, single submitter. Criteria: Ambry Variant Classification Scheme 2023. Collection method: clinical testing. Allele origin: germline.

Labcorp Genetics (formerly Invitae), Labcorp
Classification: Uncertain significance for Autoimmune lymphoproliferative syndrome. Last evaluated: 2022-07-24. Review status: criteria provided, single submitter. Criteria: Invitae Variant Classification Sherloc (09022015). Collection method: clinical testing. Allele origin: germline.
Comment: This sequence change replaces proline, which is neutral and non-polar, with leucine, which is neutral and non-polar, at codon 59 of the FASLG protein (p.Pro59Leu). This variant is present in population databases (rs375737004, gnomAD 0.004%). This variant has not been reported in the literature in individuals affected with FASLG-related conditions. ClinVar contains an entry for this variant (Variation ID: 293732). Algorithms developed to predict the effect of missense changes on protein structure and function output the following: SIFT: "Deleterious"; PolyPhen-2: "Benign"; Align-GVGD: "Class C0". The leucine amino acid residue is found in multiple mammalian species, which suggests that this missense change does not adversely affect protein function. In summary, the available evidence is currently insufficient to determine the role of this variant in disease. Therefore, it has been classified as a Variant of Uncertain Significance.

Illumina Laboratory Services, Illumina
Classification: Likely benign for Autoimmune lymphoproliferative syndrome type 1. Last evaluated: 2018-01-13. Review status: criteria provided, single submitter. Criteria: ICSL Variant Classification Criteria 13 December 2019. Collection method: clinical testing. Allele origin: germline.
Comment: This variant was observed in the ICSL laboratory as part of a predisposition screen in an ostensibly healthy population. It had not been previously curated by ICSL or reported in the Human Gene Mutation Database (HGMD: prior to June 1st, 2018), and was therefore a candidate for classification through an automated scoring system. Utilizing variant allele frequency, disease prevalence and penetrance estimates, and inheritance mode, an automated score was calculated to assess if this variant is too frequent to cause the disease. Based on the score and internal cut-off values, a variant classified as likely benign is not then subjected to further curation. The score for this variant resulted in a classification of likely benign for this disease.